The following is an entry in ClinVar:

ClinVar aggregate classification (germline): Uncertain significance (1 of 4 stars; one submission).

Submission:

GeneDx
Classification: Uncertain significance. Last evaluated: 2023-02-01. Review status: criteria provided, single submitter. Criteria: GeneDx Variant Classification Process June 2021. Collection method: clinical testing. Allele origin: germline. Affected: yes.
Comment: Not observed at significant frequency in large population cohorts (gnomAD); In silico analysis supports that this missense variant does not alter protein structure/function; Has not been previously published as pathogenic or benign to our knowledge

NM_001367873.1(SOX6):c.1246G>C (p.Val416Leu)

Gene: SOX6 (SRY-box transcription factor 6; minus strand). Cytogenetic location: 11p15.2.
Variant type: single nucleotide variant.
Coding change: c.1246G>C on transcript NM_001367873.1 (MANE Select); coding-DNA position 1246, G replaced by C.
Protein change: p.Val416Leu; replaces valine 416 with leucine.
Molecular consequence: missense variant.
Genome position (GRCh38, 1-based): chr11:16,055,757, C>G on the plus strand (G>C on the coding strand, the complement: SOX6 is on the minus strand). VCF-style: chr11-16055757-C-G. GRCh37 (hg19) VCF-style: chr11-16077303-C-G.
Other names: c.1246G>C, p.Val416Leu (NM_033326.3, NM_001145819.2); c.1123G>C, p.Val375Leu (NM_001145811.2, NM_001367872.1, NM_017508.3); short protein forms V375L, V416L.
Identifiers: ClinVar variation 2574807 (VCV002574807.1), dbSNP rs2494155277, ClinGen allele CA379876960.